The following is an entry in ClinVar:

ClinVar aggregate classification (germline): Uncertain significance. Review status: criteria provided, multiple submitters, no conflicts (2 of 4 stars). 2 submissions from 2 submitters: Uncertain significance (2). Last evaluated 2025-02-26.

Conditions:
Cardiovascular phenotype. Identifiers: MedGen CN230736.
Hypertrophic cardiomyopathy. Also called: HYPERTROPHIC MYOCARDIOPATHY. Identifiers: Orphanet 217569, MedGen C0007194, MeSH D002312, MONDO:0005045, HP:0001639.

Submissions (2):

Labcorp Genetics (formerly Invitae), Labcorp
Classification: Uncertain significance for Hypertrophic cardiomyopathy. Last evaluated: 2025-02-26. Review status: criteria provided, single submitter. Criteria: Invitae Variant Classification Sherloc (09022015). Collection method: clinical testing. Allele origin: germline.
Comment: This sequence change replaces alanine, which is neutral and non-polar, with serine, which is neutral and polar, at codon 113 of the MYBPC3 protein (p.Ala113Ser). This variant is not present in population databases (gnomAD no frequency). This variant has not been reported in the literature in individuals affected with MYBPC3-related conditions. ClinVar contains an entry for this variant (Variation ID: 1730810). An algorithm developed to predict the effect of missense changes on protein structure and function (PolyPhen-2) suggests that this variant is likely to be tolerated. In summary, the available evidence is currently insufficient to determine the role of this variant in disease. Therefore, it has been classified as a Variant of Uncertain Significance.

Ambry Genetics
Classification: Uncertain significance for Cardiovascular phenotype. Last evaluated: 2022-08-03. Review status: criteria provided, single submitter. Criteria: Ambry Variant Classification Scheme 2023. Collection method: clinical testing. Allele origin: germline.
Comment: The p.A113S variant (also known as c.337G>T), located in coding exon 3 of the MYBPC3 gene, results from a G to T substitution at nucleotide position 337. The alanine at codon 113 is replaced by serine, an amino acid with similar properties. This amino acid position is conserved. In addition, this alteration is predicted to be tolerated by in silico analysis. Since supporting evidence is limited at this time, the clinical significance of this alteration remains unclear.

NM_000256.3(MYBPC3):c.337G>T (p.Ala113Ser)

Gene: MYBPC3 (myosin binding protein C3; minus strand). Cytogenetic location: 11p11.2.
Variant type: single nucleotide variant.
Coding change: c.337G>T on transcript NM_000256.3 (MANE Select); coding-DNA position 337, G replaced by T.
Protein change: p.Ala113Ser; replaces alanine 113 with serine.
Molecular consequence: missense variant.
Genome position (GRCh38, 1-based): chr11:47,350,571, C>A on the plus strand (G>T on the coding strand, the complement: MYBPC3 is on the minus strand). VCF-style: chr11-47350571-C-A. GRCh37 (hg19) VCF-style: chr11-47372122-C-A.
Other names: short protein forms A113S.
Identifiers: ClinVar variation 1730810 (VCV001730810.3), dbSNP rs2495783696, ClinGen allele CA380340840.